The following is an entry in ClinVar:

NM_001256864.2(DNAJC6):c.1478C>T (p.Ser493Leu)

Gene: DNAJC6 (DnaJ heat shock protein family (Hsp40) member C6; plus strand). Cytogenetic location: 1p31.3.
Variant type: single nucleotide variant.
Coding change: c.1478C>T on transcript NM_001256864.2 (MANE Select); coding-DNA position 1478, C replaced by T.
Protein change: p.Ser493Leu; replaces serine 493 with leucine.
Molecular consequence: missense variant.
Genome position (GRCh38, 1-based): chr1:65,392,440, C>T. VCF-style: chr1-65392440-C-T. GRCh37 (hg19) VCF-style: chr1-65858123-C-T.
Other names: c.1268C>T, p.Ser423Leu (NM_001256865.2); c.1307C>T, p.Ser436Leu (NM_014787.4); short protein forms S423L, S436L, S493L.
Identifiers: ClinVar variation 2339402 (VCV002339402.3), dbSNP rs779000495, ClinGen allele CA893940.

ClinVar aggregate classification (germline): Uncertain significance (1 of 4 stars; one submission).

Conditions:
Inborn genetic diseases. Identifiers: MedGen C0950123, MeSH D030342.

Allele frequency attached by ClinVar (database versions not stated): ExAC 0.00002; TOPMed 0.00002; gnomAD 0.00003; gnomAD exomes 0.00003.
gnomAD v4.1: 47 of 1,595,154 alleles (0.0029%); highest among the groups gnomAD compares: African/African-American, 0.004%; no homozygotes.

Submission:

Ambry Genetics
Classification: Uncertain significance for Inborn genetic diseases. Last evaluated: 2025-12-29. Review status: criteria provided, single submitter. Criteria: Ambry Variant Classification Scheme 2023. Collection method: clinical testing. Allele origin: germline.
Comment: The c.1307C>T (p.S436L) alteration is located in exon 12 (coding exon 12) of the DNAJC6 gene. This alteration results from a C to T substitution at nucleotide position 1307, causing the serine (S) at amino acid position 436 to be replaced by a leucine (L). Based on data from gnomAD, the T allele has an overall frequency of 0.001% (3/237476) total alleles studied. The highest observed frequency was 0.006% (1/16100) of African alleles. Based on insufficient or conflicting evidence, the clinical significance of this alteration remains unclear.